The following is an entry in ClinVar:

ClinVar aggregate classification (germline): Uncertain significance (1 of 4 stars; one submission).

Allele frequency attached by ClinVar (database versions not stated): ExAC 0.00001.
gnomAD v4.1: 1 of 1,613,720 alleles (0.000062%); no homozygotes.

Submission:

Labcorp Genetics (formerly Invitae), Labcorp
Classification: Uncertain significance. Last evaluated: 2022-10-27. Review status: criteria provided, single submitter. Criteria: Invitae Variant Classification Sherloc (09022015). Collection method: clinical testing. Allele origin: germline.
Comment: In summary, the available evidence is currently insufficient to determine the role of this variant in disease. Therefore, it has been classified as a Variant of Uncertain Significance. Algorithms developed to predict the effect of missense changes on protein structure and function output the following: SIFT: "Tolerated"; PolyPhen-2: "Benign"; Align-GVGD: "Class C0". The isoleucine amino acid residue is found in multiple mammalian species, which suggests that this missense change does not adversely affect protein function. This variant has not been reported in the literature in individuals affected with SIAE-related conditions. This variant is present in population databases (rs753206012, gnomAD 0.0009%). This sequence change replaces valine, which is neutral and non-polar, with isoleucine, which is neutral and non-polar, at codon 248 of the SIAE protein (p.Val248Ile).

NM_170601.5(SIAE):c.742G>A (p.Val248Ile)

Gene: SIAE (sialic acid acetylesterase; minus strand). Cytogenetic location: 11q24.2.
Variant type: single nucleotide variant.
Coding change: c.742G>A on transcript NM_170601.5 (MANE Select); coding-DNA position 742, G replaced by A.
Protein change: p.Val248Ile; replaces valine 248 with isoleucine.
Molecular consequence: missense variant.
Genome position (GRCh38, 1-based): chr11:124,648,156, C>T on the plus strand (G>A on the coding strand, the complement: SIAE is on the minus strand). VCF-style: chr11-124648156-C-T. GRCh37 (hg19) VCF-style: chr11-124518052-C-T.
Other names: c.637G>A, p.Val213Ile (NM_001199922.2); short protein forms V248I, V213I.
Identifiers: ClinVar variation 2870205 (VCV002870205.3), dbSNP rs753206012, ClinGen allele CA6341416.